The following is an entry in ClinVar:

ClinVar aggregate classification (germline): Uncertain significance (1 of 4 stars; one submission).

gnomAD v4.1: 1 of 1,610,154 alleles (0.000062%); highest among the groups gnomAD compares: Non-Finnish European, 0.000085%; no homozygotes.

Submission:

Women's Health and Genetics/Laboratory Corporation of America, LabCorp
Classification: Uncertain significance. Last evaluated: 2025-11-28. Review status: criteria provided, single submitter. Criteria: LabCorp Variant Classification Summary - May 2015. Collection method: clinical testing. Allele origin: germline.
Comment: Variant summary: CFTR c.3455A>G (p.Asp1152Gly) results in a non-conservative amino acid change in the encoded protein sequence. Algorithms developed to predict the effect of missense changes on protein structure and function are either unavailable or do not agree on the potential impact of this missense change. The variant was absent in 250946 control chromosomes. The available data on variant occurrences in the general population are insufficient to allow any conclusion about variant significance. To our knowledge, no occurrence of c.3455A>G in individuals affected with CFTR-related conditions and no experimental evidence demonstrating its impact on protein function have been reported. No submitters have cited clinical-significance assessments for this variant to ClinVar. Based on the evidence outlined above, the variant was classified as uncertain significance.

NM_000492.4(CFTR):c.3455A>G (p.Asp1152Gly)

Genes: CFTR (CF transmembrane conductance regulator; plus strand), CFTR-AS2 (CFTR antisense RNA 2; minus strand). Cytogenetic location: 7q31.2.
Variant type: single nucleotide variant.
Coding change: c.3455A>G on transcript NM_000492.4 (MANE Select); coding-DNA position 3455, A replaced by G.
Protein change: p.Asp1152Gly; replaces aspartic acid 1152 with glycine.
Molecular consequence: missense variant.
Genome position (GRCh38, 1-based): chr7:117,614,700, A>G. VCF-style: chr7-117614700-A-G. GRCh37 (hg19) VCF-style: chr7-117254754-A-G.
Other names: short protein forms D1152G.
Identifiers: ClinVar variation 4536698 (VCV004536698.1).